The following is an entry in ClinVar:

ClinVar aggregate classification (germline): Uncertain significance (1 of 4 stars; one submission).

Conditions:
Acrocallosal syndrome (ACLS). Also called: Schinzel syndrome 1; Absence of corpus callosum with unusual facial appearance, mental deficiency, duplication of the halluces and polydactyly; HALLUX DUPLICATION, POSTAXIAL POLYDACTYLY, AND ABSENCE OF CORPUS CALLOSUM. Identifiers: Orphanet 36, MedGen C0796147, MONDO:0008708, OMIM 200990.

Allele frequency attached by ClinVar (database versions not stated): TOPMed 0.00001.
gnomAD v4.1: 10 of 1,551,492 alleles (0.00064%); highest among the groups gnomAD compares: Middle Eastern, 0.017%; no homozygotes.

Submission:

Labcorp Genetics (formerly Invitae), Labcorp
Classification: Uncertain significance for Acrocallosal syndrome. Last evaluated: 2022-05-03. Review status: criteria provided, single submitter. Criteria: Invitae Variant Classification Sherloc (09022015). Collection method: clinical testing. Allele origin: germline.
Comment: This sequence change replaces proline, which is neutral and non-polar, with leucine, which is neutral and non-polar, at codon 121 of the KIF7 protein (p.Pro121Leu). This variant is not present in population databases (gnomAD no frequency). This variant has not been reported in the literature in individuals affected with KIF7-related conditions. Advanced modeling of protein sequence and biophysical properties (such as structural, functional, and spatial information, amino acid conservation, physicochemical variation, residue mobility, and thermodynamic stability) performed at Invitae indicates that this missense variant is expected to disrupt KIF7 protein function. In summary, the available evidence is currently insufficient to determine the role of this variant in disease. Therefore, it has been classified as a Variant of Uncertain Significance.

NM_198525.3(KIF7):c.362C>T (p.Pro121Leu)

Gene: KIF7 (kinesin family member 7; minus strand). Cytogenetic location: 15q26.1.
Variant type: single nucleotide variant.
Coding change: c.362C>T on transcript NM_198525.3 (MANE Select); coding-DNA position 362, C replaced by T.
Protein change: p.Pro121Leu; replaces proline 121 with leucine.
Molecular consequence: missense variant.
Genome position (GRCh38, 1-based): chr15:89,649,908, G>A on the plus strand (C>T on the coding strand, the complement: KIF7 is on the minus strand). VCF-style: chr15-89649908-G-A. GRCh37 (hg19) VCF-style: chr15-90193139-G-A.
Other names: short protein forms P121L.
Identifiers: ClinVar variation 2161855 (VCV002161855.1), dbSNP rs1277744807, ClinGen allele CA393777449.